The following is an entry in ClinVar:

ClinVar aggregate classification (germline): Pathogenic (1 of 4 stars; one submission).

Conditions:
Ellis-van Creveld syndrome (EVC). Also called: MESOECTODERMAL DYSPLASIA; Chondroectodermal dysplasia. Identifiers: Orphanet 289, MedGen C0013903, MONDO:0009162, OMIM 225500.

Submission:

Myriad Genetics, Inc.
Classification: Pathogenic for Ellis-van Creveld syndrome. Last evaluated: 2025-08-30. Review status: criteria provided, single submitter. Criteria: Myriad Autosomal Dominant, Autosomal Recessive and X-Linked Classification Criteria (2023). Collection method: clinical testing. Allele origin: unknown.
Comment: NM_153717.2(EVC):c.1245_1248dupGCGG(Q417Afs*61) is expected to be pathogenic in the context of EVC-related Ellis-van Creveld syndrome. This variant is predicted to lead to an abnormal or absent protein product due to the creation of a premature termination codon in EVC, a gene where loss-of-function variants are known to be pathogenic. Please note: this variant was assessed in the context of healthy population screening.

NM_153717.3(EVC):c.1245_1248dup (p.Gln417fs)

Gene: EVC (EvC ciliary complex subunit 1; plus strand). Cytogenetic location: 4p16.2.
Variant type: Duplication.
Coding change: c.1245_1248dup on transcript NM_153717.3 (MANE Select); coding-DNA positions 1245 to 1248, 4 bases duplicated (GCGG; older notation c.1245_1248dupGCGG).
Protein change: p.Gln417fs; shifts the reading frame from glutamine 417.
Molecular consequence: frameshift variant.
Genome position (GRCh38, 1-based): chr4:5,752,982-5,752,985, GCGG duplicated; duplicating any 4 consecutive bases within chr4:5,752,979-5,752,985 gives the same sequence; the c. name uses the placement nearest the transcript's 3' end. VCF-style (leftmost placement, unchanged base first): chr4-5752978-C-CCGGG. GRCh37 (hg19) VCF-style: chr4-5754705-C-CCGGG.
Other names: c.1245_1248dup, p.Gln417fs (NM_001306090.2, NM_001306092.2); short protein forms Q417fs.
Identifiers: ClinVar variation 5014925 (VCV005014925.1).
Genomic context (GRCh38, chr4:5,752,978, plus strand): 5'-GGTGCCGGCTGGCTGCCATCTCCCACGGCCTGGAGCTGCTGGCTGGTGAGGGGAAGCTGT[C>CCGGG]CGGGCGGCAGAAGGAGGAGCTGCTCACGCAGCAGCACAAGGCCTTCTGGCAGGAGGCAGA-3'